The following is an entry in ClinVar:

NC_012920.1(MT-ATP6):m.9101T>C

Gene: MT-ATP6 (mitochondrially encoded ATP synthase 6; plus strand).
Variant type: single nucleotide variant.
Genome position: chrM-9101-T-C.
Other names: MTATP6, 9101T-C, ILE192THR; I192T.
Identifiers: ClinVar variation 9643 (VCV000009643.5), dbSNP rs199476134, ClinGen allele CA340927.

ClinVar aggregate classification (germline): Benign/Likely benign. Review status: criteria provided, multiple submitters, no conflicts (2 of 4 stars). 4 submissions from 4 submitters: Benign (1); Likely benign (1). 2 of the submissions do not count toward it. Last evaluated 2025-02-16.

Conditions:
Leber optic atrophy (LHON). Also called: Leber hereditary optic neuropathy; Leber's disease; Leber's optic atrophy; Optic Atrophy, Hereditary, Leber. Identifiers: Orphanet 104, MedGen C0917796, MONDO:0010788, OMIM 535000, HP:0001112.
Leigh syndrome (NULS). Also called: Leigh's syndrome; Leigh Disease; Leigh's necrotizing encephalopathy; Leigh's disease; Subacute necrotizing encephalopathy; Necrotizing encephalopathy infantile subacute of Leigh. Identifiers: Orphanet 506, MedGen C2931891, MONDO:0009723, OMIM 256000.

Submissions (4):

Laboratory of Genetics, Children's Clinical University Hospital Latvia
Classification: Likely benign. Last evaluated: 2025-02-16. Review status: criteria provided, single submitter. Criteria: ACMG Guidelines, 2015. Collection method: clinical testing. Allele origin: germline. Affected: yes.

Wong Mito Lab, Molecular and Human Genetics, Baylor College of Medicine
Classification: Benign for Leigh syndrome. Last evaluated: 2019-10-17. Review status: criteria provided, single submitter. Criteria: Modified ACMG Guidelines (Unpublished). Collection method: clinical testing. Allele origin: germline.
Comment: The NC_012920.1:m.9101T>C (YP_003024031.1:p.Ile192Thr) variant in MTATP6 gene is interpretated to be a Benign variant based on the modified ACMG guidelines (unpublished). This variant meets the following evidence codes: BS1, BS2

OMIM
Classification: Pathogenic for LEBER OPTIC ATROPHY. Last evaluated: 1995-05-01. Review status: no assertion criteria provided. Collection method: literature only. Allele origin: germline. Not counted in ClinVar's aggregate classification.

GeneReviews
No classification provided. Condition: Leber optic atrophy. Review status: no classification provided. Collection method: literature only. Allele origin: maternal. Not counted in ClinVar's aggregate classification.

Literature cited by the submitters: PubMed 7726182 (cited by Wong Mito Lab, Molecular and Human Genetics, Baylor College of Medicine and OMIM); PubMed 30143805 (cited by GeneReviews); PubMed 20301353 (cited by GeneReviews).